The following is an entry in ClinVar:

ClinVar aggregate classification (germline): Uncertain significance (1 of 4 stars; one submission).

Allele frequency attached by ClinVar (database versions not stated): gnomAD exomes below 0.00001; ExAC 0.00001; TOPMed 0.00002.
gnomAD v4.1: 1 of 1,613,600 alleles (0.000062%); highest among the groups gnomAD compares: South Asian, 0.0011%; no homozygotes.

Submission:

Labcorp Genetics (formerly Invitae), Labcorp
Classification: Uncertain significance. Last evaluated: 2022-06-27. Review status: criteria provided, single submitter. Criteria: Invitae Variant Classification Sherloc (09022015). Collection method: clinical testing. Allele origin: germline.
Comment: This sequence change replaces serine, which is neutral and polar, with proline, which is neutral and non-polar, at codon 806 of the CACNA2D4 protein (p.Ser806Pro). This variant is present in population databases (rs748048662, gnomAD 0.003%). In summary, the available evidence is currently insufficient to determine the role of this variant in disease. Therefore, it has been classified as a Variant of Uncertain Significance. Algorithms developed to predict the effect of missense changes on protein structure and function are either unavailable or do not agree on the potential impact of this missense change (SIFT: "Deleterious"; PolyPhen-2: "Benign"; Align-GVGD: "Class C0"). ClinVar contains an entry for this variant (Variation ID: 854249). This variant has not been reported in the literature in individuals affected with CACNA2D4-related conditions.

NM_172364.5(CACNA2D4):c.2416T>C (p.Ser806Pro)

Gene: CACNA2D4 (calcium voltage-gated channel auxiliary subunit alpha2delta 4; minus strand). Cytogenetic location: 12p13.33.
Variant type: single nucleotide variant.
Coding change: c.2416T>C on transcript NM_172364.5 (MANE Select); coding-DNA position 2416, T replaced by C.
Protein change: p.Ser806Pro; replaces serine 806 with proline.
Molecular consequence: missense variant.
Genome position (GRCh38, 1-based): chr12:1,844,456, A>G on the plus strand (T>C on the coding strand, the complement: CACNA2D4 is on the minus strand). VCF-style: chr12-1844456-A-G. GRCh37 (hg19) VCF-style: chr12-1953622-A-G.
Other names: short protein forms S806P.
Identifiers: ClinVar variation 854249 (VCV000854249.9), dbSNP rs748048662, ClinGen allele CA6386705.